The following is an entry in ClinVar:

ClinVar aggregate classification (germline): Likely benign. Review status: reviewed by expert panel (3 of 4 stars). 3 submissions from 3 submitters: Likely benign (1). 2 of the submissions do not count toward it. Last evaluated 2026-04-29.

Conditions:
Inborn genetic diseases. Identifiers: MedGen C0950123, MeSH D030342.
Hereditary thrombocytopenia and hematologic cancer predisposition syndrome. Identifiers: Orphanet 71290, MedGen CN281654, MONDO:0011071.
Hereditary thrombocytopenia and hematological cancer predisposition syndrome associated with RUNX1. Also called: Familial Platelet Disorder with Propensity to Acute Myelogenous Leukemia; Familial thrombocytopenia with propensity to acute myelogenous leukemia; PLATELET DISORDER, ASPIRIN-LIKE; RUNX1 Familial Platelet Disorder with Associated Myeloid Malignancies. Identifiers: Orphanet 71290, MedGen C1832388, MeSH C563324, MONDO:0100083, OMIM 601399.

gnomAD v4.1: 2 of 1,613,060 alleles (0.00012%); highest among the groups gnomAD compares: African/African-American, 0.0013%; no homozygotes.

Submissions (3):

ClinGen Myeloid Malignancy Variant Curation Expert Panel
Classification: Likely benign for Hereditary thrombocytopenia and hematologic cancer predisposition syndrome. Last evaluated: 2026-04-29. Review status: reviewed by expert panel. Criteria: ClinGen MyeloMalig ACMG Specifications V3.1. Collection method: curation. Allele origin: germline. Inheritance: Autosomal dominant inheritance.
Comment: NM_001754.5(RUNX1):c.735C>G (p.Pro245=) is a synonymous variant which has a SpliceAI score ≤ 0.20 (0.02) (BP4, BP7). This variant has a MAF ≤ 0.00005 in gnomAD v4 across all subpopulations with at least 20x coverage for RUNX1 (PM2_supporting). In summary, this variant meets criteria to be classified as likely benign. ACMG/AMP criteria applied, as specified by the Myeloid Malignancy Variant Curation Expert Panel for RUNX1: BP4, BP7, PM2_supporting.

Ambry Genetics
Classification: Likely benign for Inborn genetic diseases. Last evaluated: 2025-02-02. Review status: criteria provided, single submitter. Criteria: Ambry Variant Classification Scheme 2023. Collection method: clinical testing. Allele origin: germline. Not counted in ClinVar's aggregate classification.

Labcorp Genetics (formerly Invitae), Labcorp
Classification: Likely benign for Hereditary thrombocytopenia and hematological cancer predisposition syndrome associated with RUNX1. Last evaluated: 2019-07-09. Review status: criteria provided, single submitter. Criteria: Invitae Variant Classification Sherloc (09022015). Collection method: clinical testing. Allele origin: germline. Not counted in ClinVar's aggregate classification.

NM_001754.5(RUNX1):c.735C>G (p.Pro245=)

Gene: RUNX1 (RUNX family transcription factor 1; minus strand). Cytogenetic location: 21q22.12.
Variant type: single nucleotide variant.
Coding change: c.735C>G on transcript NM_001754.5 (MANE Select); coding-DNA position 735, C replaced by G.
Protein change: p.Pro245=; no amino-acid change (proline 245 retained).
Molecular consequence: synonymous variant.
Genome position (GRCh38, 1-based): chr21:34,834,480, G>C on the plus strand (C>G on the coding strand, the complement: RUNX1 is on the minus strand). VCF-style: chr21-34834480-G-C. GRCh37 (hg19) VCF-style: chr21-36206777-G-C.
Other names: NM_001754.5(RUNX1):c.735C>G; p.Pro245=; c.654C>G, p.Pro218= (NM_001001890.3, NM_001122607.2); c.735C>G (NM_001754.4).
Identifiers: ClinVar variation 1124345 (VCV001124345.14), dbSNP rs902762123, ClinGen allele CA512318600.